The following is an entry in ClinVar:

NM_053013.4(ENO3):c.131A>G (p.Tyr44Cys)

Gene: ENO3 (enolase 3; plus strand). Cytogenetic location: 17p13.2.
Variant type: single nucleotide variant.
Coding change: c.131A>G on transcript NM_053013.4 (MANE Select); coding-DNA position 131, A replaced by G.
Protein change: p.Tyr44Cys; replaces tyrosine 44 with cysteine.
Molecular consequence: missense variant.
Genome position (GRCh38, 1-based): chr17:4,952,840, A>G. VCF-style: chr17-4952840-A-G. GRCh37 (hg19) VCF-style: chr17-4856135-A-G.
Other names: c.131A>G (NM_053013.3); c.131A>G, p.Tyr44Cys (NM_001193503.2, NM_001374523.1, NM_001976.5); c.158A>G, p.Tyr53Cys (NM_001374524.1); short protein forms Y44C, Y53C.
Identifiers: ClinVar variation 2156836 (VCV002156836.2), dbSNP rs963982168, ClinGen allele CA287173113.
Genomic context (GRCh38, chr17:4,952,840, plus strand): 5'-TTCCTCCTGTCCCAGGCCGATTCCGAGCAGCTGTGCCCAGTGGGGCTTCCACGGGTATCT[A>G]TGAGGCTCTGGAACTAAGAGACGGAGACAAAGGCCGCTACCTGGGGAAAGGTGAGGAGAC-3'
Protein context (NP_443739.3, residues 34-54): AVPSGASTGI[Tyr44Cys]EALELRDGDK

ClinVar aggregate classification (germline): Uncertain significance. Review status: criteria provided, multiple submitters, no conflicts (2 of 4 stars). 2 submissions from 2 submitters: Uncertain significance (2). Last evaluated 2023-12-13.

Conditions:
Inborn genetic diseases. Identifiers: MedGen C0950123, MeSH D030342.
Glycogen storage disease due to muscle beta-enolase deficiency (GSD13). Also called: ENOLASE 3 DEFICIENCY; ENOLASE-BETA DEFICIENCY; GSD XIII; Glycogen Storage Disease Type XIII. Identifiers: Orphanet 99849, MedGen C2752027, MONDO:0013046, OMIM 612932.

Allele frequency attached by ClinVar (database versions not stated): gnomAD 0.00001; gnomAD exomes 0.00001; TOPMed 0.00004.
gnomAD v4.1: 14 of 1,612,278 alleles (0.00087%); highest among the groups gnomAD compares: East Asian, 0.0022%; no homozygotes.

Submissions (2):

Ambry Genetics
Classification: Uncertain significance for Inborn genetic diseases. Last evaluated: 2023-12-13. Review status: criteria provided, single submitter. Criteria: Ambry Variant Classification Scheme 2023. Collection method: clinical testing. Allele origin: germline.

Labcorp Genetics (formerly Invitae), Labcorp
Classification: Uncertain significance for Glycogen storage disease due to muscle beta-enolase deficiency. Last evaluated: 2022-07-19. Review status: criteria provided, single submitter. Criteria: Invitae Variant Classification Sherloc (09022015). Collection method: clinical testing. Allele origin: germline.
Comment: This sequence change replaces tyrosine, which is neutral and polar, with cysteine, which is neutral and slightly polar, at codon 44 of the ENO3 protein (p.Tyr44Cys). This variant is present in population databases (no rsID available, gnomAD 0.007%). This variant has not been reported in the literature in individuals affected with ENO3-related conditions. Algorithms developed to predict the effect of missense changes on protein structure and function are either unavailable or do not agree on the potential impact of this missense change (SIFT: "Deleterious"; PolyPhen-2: "Possibly Damaging"; Align-GVGD: "Class C0"). Algorithms developed to predict the effect of sequence changes on RNA splicing suggest that this variant may create or strengthen a splice site. In summary, the available evidence is currently insufficient to determine the role of this variant in disease. Therefore, it has been classified as a Variant of Uncertain Significance.